The following is an entry in ClinVar:

NM_138694.4(PKHD1):c.10334del (p.Asn3445fs)

Gene: PKHD1 (PKHD1 ciliary IPT domain containing fibrocystin/polyductin; minus strand). Cytogenetic location: 6p12.3.
Variant type: Deletion.
Coding change: c.10334del on transcript NM_138694.4 (MANE Select); coding-DNA position 10334, one base deleted (A; older notation c.10334delA).
Protein change: p.Asn3445fs; shifts the reading frame from asparagine 3445.
Molecular consequence: frameshift variant.
Genome position (GRCh38, 1-based): chr6:51,659,792, T deleted on the plus strand (A on the coding strand, the reverse complement: PKHD1 is on the minus strand); the first of 3 consecutive T bases (chr6:51,659,792-51,659,794); deleting any one gives the same sequence. VCF-style (leftmost placement, unchanged base first): chr6-51659791-AT-A. GRCh37 (hg19) VCF-style: chr6-51524589-AT-A.
Other names: short protein forms N3445fs.
Identifiers: ClinVar variation 1365742 (VCV001365742.7), dbSNP rs2150417202, ClinGen allele CA2573140942.

ClinVar aggregate classification (germline): Pathogenic/Likely pathogenic. Review status: criteria provided, multiple submitters, no conflicts (2 of 4 stars). 2 submissions from 2 submitters: Pathogenic (1); Likely pathogenic (1). Last evaluated 2024-01-12.

Conditions:
Polycystic kidney disease 4 (PKD4). Also called: PKD3; POLYCYSTIC KIDNEY AND HEPATIC DISEASE 1; POLYCYSTIC KIDNEY DISEASE, INFANTILE, TYPE I; POLYCYSTIC KIDNEY DISEASE 4 WITH OR WITHOUT POLYCYSTIC LIVER DISEASE; Autosomal Recessive Polycystic Kidney Disease – PKHD1. Identifiers: MedGen C4540575, MONDO:0033004, OMIM 263200.
Autosomal recessive polycystic kidney disease (ARPKD). Also called: AR polycystic kidney disease. Identifiers: Orphanet 731, Orphanet 8378, MedGen C0085548, MeSH D017044, MONDO:0009889.

Submissions (2):

Baylor Genetics
Classification: Likely pathogenic for Polycystic kidney disease 4. Last evaluated: 2024-01-12. Review status: criteria provided, single submitter. Criteria: ACMG Guidelines, 2015. Collection method: clinical testing. Allele origin: unknown.

Labcorp Genetics (formerly Invitae), Labcorp
Classification: Pathogenic for Autosomal recessive polycystic kidney disease. Last evaluated: 2021-08-03. Review status: criteria provided, single submitter. Criteria: Invitae Variant Classification Sherloc (09022015). Collection method: clinical testing. Allele origin: germline.
Comment: This sequence change creates a premature translational stop signal (p.Asn3445Metfs*66) in the PKHD1 gene. It is expected to result in an absent or disrupted protein product. Loss-of-function variants in PKHD1 are known to be pathogenic (PMID: 19940839). This variant is not present in population databases (ExAC no frequency). This variant has not been reported in the literature in individuals affected with PKHD1-related conditions. For these reasons, this variant has been classified as Pathogenic.

Literature cited by the submitters: PubMed 19940839 (cited by Labcorp Genetics (formerly Invitae), Labcorp).